The following is an entry in ClinVar:

ClinVar aggregate classification (germline): Benign/Likely benign. Review status: criteria provided, multiple submitters, no conflicts (2 of 4 stars). 3 submissions from 3 submitters: Benign (1); Likely benign (2). Last evaluated 2026-07-10.

Conditions:
Hereditary cancer-predisposing syndrome. Also called: Tumor predisposition; Neoplastic Syndromes, Hereditary; Hereditary Cancer Syndrome; Hereditary neoplastic syndrome. Identifiers: Orphanet 140162, MedGen C0027672, MeSH D009386, MONDO:0015356.
Rhabdoid tumor predisposition syndrome 2 (RTPS2). Identifiers: Orphanet 231108, Orphanet 69077, MedGen C2750074, MONDO:0013224, OMIM 613325.

Allele frequency attached by ClinVar (database versions not stated): ExAC 0.00001; gnomAD exomes 0.00001.
gnomAD v4.1: 3 of 1,608,892 alleles (0.00019%); highest among the groups gnomAD compares: East Asian, 0.0045%; no homozygotes.

Submissions (3):

Myriad Genetics, Inc.
Classification: Benign for Rhabdoid tumor predisposition syndrome 2. Last evaluated: 2026-07-10. Review status: criteria provided, single submitter. Criteria: Myriad Autosomal Dominant, Autosomal Recessive and X-Linked Classification Criteria (2023). Collection method: clinical testing. Allele origin: unknown.
Comment: This variant is considered benign. This variant is a silent/synonymous amino acid change and it is not expected to impact splicing.

Labcorp Genetics (formerly Invitae), Labcorp
Classification: Likely benign for Rhabdoid tumor predisposition syndrome 2. Last evaluated: 2025-12-23. Review status: criteria provided, single submitter. Criteria: Invitae Variant Classification Sherloc (09022015). Collection method: clinical testing. Allele origin: germline.

Ambry Genetics
Classification: Likely benign for Hereditary cancer-predisposing syndrome. Last evaluated: 2015-06-30. Review status: criteria provided, single submitter. Criteria: Ambry Variant Classification Scheme 2023. Collection method: clinical testing. Allele origin: germline.

NM_003072.5(SMARCA4):c.1389G>A (p.Glu463=)

Gene: SMARCA4 (SWI/SNF related BAF chromatin remodeling complex subunit ATPase 4; plus strand). Cytogenetic location: 19p13.2.
Variant type: single nucleotide variant.
Coding change: c.1389G>A on transcript NM_003072.5 (MANE Select); coding-DNA position 1389, G replaced by A.
Protein change: p.Glu463=; no amino-acid change (glutamic acid 463 retained).
Molecular consequence: synonymous variant. On other transcripts: non-coding transcript variant (1).
Genome position (GRCh38, 1-based): chr19:10,991,293, G>A. VCF-style: chr19-10991293-G-A. GRCh37 (hg19) VCF-style: chr19-11101969-G-A.
Other names: c.1389G>A, p.Glu463= (NM_001128844.3, NM_001128845.2, NM_001128846.2 and 5 more transcripts).
Identifiers: ClinVar variation 480564 (VCV000480564.15), dbSNP rs750247391, ClinGen allele CA9203761.